The following is an entry in ClinVar:

NM_152617.4(RNF168):c.844T>C (p.Ser282Pro)

Gene: RNF168 (ring finger protein 168; minus strand). Cytogenetic location: 3q29.
Variant type: single nucleotide variant.
Coding change: c.844T>C on transcript NM_152617.4 (MANE Select); coding-DNA position 844, T replaced by C.
Protein change: p.Ser282Pro; replaces serine 282 with proline.
Molecular consequence: missense variant.
Genome position (GRCh38, 1-based): chr3:196,472,691, A>G on the plus strand (T>C on the coding strand, the complement: RNF168 is on the minus strand). VCF-style: chr3-196472691-A-G. GRCh37 (hg19) VCF-style: chr3-196199562-A-G.
Other names: short protein forms S282P.
Identifiers: ClinVar variation 2192589 (VCV002192589.3), dbSNP rs753020221, ClinGen allele CA2780789.

ClinVar aggregate classification (germline): Conflicting classifications of pathogenicity. Review status: criteria provided, conflicting classifications (1 of 4 stars). 2 submissions from 2 submitters: Uncertain significance (1); Likely benign (1). Last evaluated 2024-11-11.

gnomAD v4.1: 36 of 1,606,642 alleles (0.0022%); highest among the groups gnomAD compares: Non-Finnish European, 0.0029%; no homozygotes.

Submissions (2):

Labcorp Genetics (formerly Invitae), Labcorp
Classification: Uncertain significance. Last evaluated: 2024-11-11. Review status: criteria provided, single submitter. Criteria: Invitae Variant Classification Sherloc (09022015). Collection method: clinical testing. Allele origin: germline.
Comment: This sequence change replaces serine, which is neutral and polar, with proline, which is neutral and non-polar, at codon 282 of the RNF168 protein (p.Ser282Pro). This variant is present in population databases (rs753020221, gnomAD 0.004%). This variant has not been reported in the literature in individuals affected with RNF168-related conditions. ClinVar contains an entry for this variant (Variation ID: 2192589). An algorithm developed to predict the effect of missense changes on protein structure and function outputs the following: PolyPhen-2: "Benign". The proline amino acid residue is found in multiple mammalian species, which suggests that this missense change does not adversely affect protein function. In summary, the available evidence is currently insufficient to determine the role of this variant in disease. Therefore, it has been classified as a Variant of Uncertain Significance.

Blueprint Genetics
Classification: Likely benign. Last evaluated: 2022-06-22. Review status: criteria provided, single submitter. Criteria: ACMG Guidelines, 2015. Collection method: clinical testing. Allele origin: germline.